The following is an entry in ClinVar:

ClinVar aggregate classification (germline): Uncertain significance (1 of 4 stars; one submission).

Submission:

Ambry Genetics
Classification: Uncertain significance. Last evaluated: 2025-08-24. Review status: criteria provided, single submitter. Criteria: Ambry Variant Classification Scheme 2023. Collection method: clinical testing. Allele origin: germline.
Comment: The p.Q4R variant (also known as c.11A>G), located in coding exon 1 of the MC1R gene, results from an A to G substitution at nucleotide position 11. The glutamine at codon 4 is replaced by arginine, an amino acid with highly similar properties. This amino acid position is conserved. In addition, this alteration is predicted to be tolerated by in silico analysis. Based on the available evidence, the clinical significance of this variant remains unclear.

NM_002386.4(MC1R):c.11A>G (p.Gln4Arg)

Gene: MC1R (melanocortin 1 receptor; plus strand). Cytogenetic location: 16q24.3.
Variant type: single nucleotide variant.
Coding change: c.11A>G on transcript NM_002386.4 (MANE Select); coding-DNA position 11, A replaced by G.
Protein change: p.Gln4Arg; replaces glutamine 4 with arginine.
Molecular consequence: missense variant.
Genome position (GRCh38, 1-based): chr16:89,919,269, A>G. VCF-style: chr16-89919269-A-G. GRCh37 (hg19) VCF-style: chr16-89985677-A-G.
Other names: short protein forms Q4R.
Identifiers: ClinVar variation 4104880 (VCV004104880.1).